The following is an entry in ClinVar:

NM_001127644.2(GABRA1):c.1313A>G (p.Tyr438Cys)

Gene: GABRA1 (gamma-aminobutyric acid type A receptor subunit alpha1; plus strand). Cytogenetic location: 5q34.
Variant type: single nucleotide variant.
Coding change: c.1313A>G on transcript NM_001127644.2 (MANE Select); coding-DNA position 1313, A replaced by G.
Protein change: p.Tyr438Cys; replaces tyrosine 438 with cysteine.
Molecular consequence: missense variant.
Genome position (GRCh38, 1-based): chr5:161,897,364, A>G. VCF-style: chr5-161897364-A-G. GRCh37 (hg19) VCF-style: chr5-161324370-A-G.
Other names: c.1313A>G, p.Tyr438Cys (NM_000806.5, NM_001127643.2, NM_001127645.2 and 1 more transcripts); short protein forms Y438C.
Identifiers: ClinVar variation 987088 (VCV000987088.7), dbSNP rs1312078830, ClinGen allele CA362181302.

ClinVar aggregate classification (germline): Conflicting classifications of pathogenicity. Review status: criteria provided, conflicting classifications (1 of 4 stars). 4 submissions from 4 submitters: Likely pathogenic (3); Uncertain significance (1). Last evaluated 2025-11-24.

Conditions:
GABRA1-related disorder. Also called: GABRA1-related condition.
Inborn genetic diseases. Identifiers: MedGen C0950123, MeSH D030342.

Submissions (4):

Dasa
Classification: Likely pathogenic. Last evaluated: 2025-11-24. Review status: criteria provided, single submitter. Criteria: DASA Assertion Criteria. Collection method: clinical testing. Allele origin: germline.
Comment: NM_001127644.2(GABRA1):c.1313A>G (p.Tyr438Cys) is a missense variant that results in the substitution of tyrosine with cysteine. This variant has been recurrently observed in individuals with GABRA1-related disorders (PMID: 36309498; PMID: 36865150; PMID: 25363768; PMID: 29651456). This variant has been reported as a de novo occurrence in an affected individual (PMID: 36309498). Also, this variant is absent from population databases. Computational evidence supports a deleterious effect. Based on the currently available evidence, this variant is classified as likely pathogenic.

Greenwood Genetic Center Diagnostic Laboratories, Greenwood Genetic Center
Classification: Likely pathogenic for GABRA1-related disorder. Last evaluated: 2024-04-29. Review status: criteria provided, single submitter. Criteria: ACMG Guidelines, 2015. Collection method: clinical testing. Allele origin: germline. Affected: yes.
Comment: PS2, PS4_Supporting, PM2, PP2, PP3

Institute of Medical Genetics and Applied Genomics, University Hospital Tübingen
Classification: Likely pathogenic. Last evaluated: 2020-10-23. Review status: criteria provided, single submitter. Criteria: ACMG Guidelines, 2015. Collection method: clinical testing. Allele origin: germline. Inheritance: Unknown mechanism. Affected: yes.

Ambry Genetics
Classification: Uncertain significance for Inborn genetic diseases. Last evaluated: 2018-01-18. Review status: criteria provided, single submitter. Criteria: Ambry Variant Classification Scheme 2023. Collection method: clinical testing. Allele origin: germline.
Comment: The p.Y438C variant (also known as c.1313A>G), located in coding exon 9 of the GABRA1 gene, results from an A to G substitution at nucleotide position 1313. The tyrosine at codon 438 is replaced by cysteine, an amino acid with highly dissimilar properties. This amino acid position is highly conserved in available vertebrate species. In addition, this alteration is predicted to be deleterious by in silico analysis. Since supporting evidence is limited at this time, the clinical significance of this alteration remains unclear.

Literature cited by the submitters: PubMed 36309498 (cited by Dasa); PubMed 36865150 (cited by Dasa); PubMed 25363768 (cited by Dasa); PubMed 29651456 (cited by Dasa).